The following is an entry in ClinVar:

NM_021831.6(AGBL5):c.2610G>C (p.Glu870Asp)

Gene: AGBL5 (AGBL carboxypeptidase 5; plus strand). Cytogenetic location: 2p23.3.
Variant type: single nucleotide variant.
Coding change: c.2610G>C on transcript NM_021831.6 (MANE Select); coding-DNA position 2610, G replaced by C.
Protein change: p.Glu870Asp; replaces glutamic acid 870 with aspartic acid.
Molecular consequence: missense variant. On other transcripts: non-coding transcript variant (2).
Genome position (GRCh38, 1-based): chr2:27,070,212, G>C. VCF-style: chr2-27070212-G-C. GRCh37 (hg19) VCF-style: chr2-27293080-G-C.
Other names: short protein forms E870D.
Identifiers: ClinVar variation 1356880 (VCV001356880.8), dbSNP rs1572840022, ClinGen allele CA346143277.

ClinVar aggregate classification (germline): Uncertain significance (1 of 4 stars; one submission).

Allele frequency attached by ClinVar (database versions not stated): gnomAD exomes below 0.00001.
gnomAD v4.1: 6 of 1,614,220 alleles (0.00037%); highest among the groups gnomAD compares: Non-Finnish European, 0.00042%; no homozygotes.

Submission:

Labcorp Genetics (formerly Invitae), Labcorp
Classification: Uncertain significance. Last evaluated: 2021-05-28. Review status: criteria provided, single submitter. Criteria: Invitae Variant Classification Sherloc (09022015). Collection method: clinical testing. Allele origin: germline.
Comment: In summary, the available evidence is currently insufficient to determine the role of this variant in disease. Therefore, it has been classified as a Variant of Uncertain Significance. Algorithms developed to predict the effect of missense changes on protein structure and function (SIFT, PolyPhen-2, Align-GVGD) all suggest that this variant is likely to be tolerated, but these predictions have not been confirmed by published functional studies and their clinical significance is uncertain. This variant has not been reported in the literature in individuals with AGBL5-related conditions. This variant is not present in population databases (ExAC no frequency). This sequence change replaces glutamic acid with aspartic acid at codon 870 of the AGBL5 protein (p.Glu870Asp). The glutamic acid residue is moderately conserved and there is a small physicochemical difference between glutamic acid and aspartic acid.